The following is an entry in ClinVar:

ClinVar aggregate classification (germline): Uncertain significance (1 of 4 stars; one submission).

Conditions:
Hereditary pancreatitis (PCTT). Also called: Hereditary chronic pancreatitis; PRSS1-Related Hereditary Pancreatitis. Identifiers: Orphanet 676, MedGen C0238339, MONDO:0008185, OMIM 167800.

Submission:

Ambry Genetics
Classification: Uncertain significance for Hereditary pancreatitis. Last evaluated: 2025-03-28. Review status: criteria provided, single submitter. Criteria: Ambry Variant Classification Scheme 2023. Collection method: clinical testing. Allele origin: germline.
Comment: The p.I353L variant (also known as c.1057A>C), located in coding exon 9 of the CPA1 gene, results from an A to C substitution at nucleotide position 1057. The isoleucine at codon 353 is replaced by leucine, an amino acid with highly similar properties. This amino acid position is conserved. In addition, this alteration is predicted to be tolerated by in silico analysis. Based on the available evidence, the clinical significance of this variant remains unclear.

NM_001868.4(CPA1):c.1057A>C (p.Ile353Leu)

Gene: CPA1 (carboxypeptidase A1; plus strand). Cytogenetic location: 7q32.2.
Variant type: single nucleotide variant.
Coding change: c.1057A>C on transcript NM_001868.4 (MANE Select); coding-DNA position 1057, A replaced by C.
Protein change: p.Ile353Leu; replaces isoleucine 353 with leucine.
Molecular consequence: missense variant.
Genome position (GRCh38, 1-based): chr7:130,385,908, A>C. VCF-style: chr7-130385908-A-C. GRCh37 (hg19) VCF-style: chr7-130025749-A-C.
Other names: short protein forms I353L.
Identifiers: ClinVar variation 4006048 (VCV004006048.1).